The following is an entry in ClinVar:

ClinVar aggregate classification (germline): Likely benign. Review status: criteria provided, single submitter (1 of 4 stars). 2 submissions from 2 submitters: Likely benign (1). 1 of the submissions does not count toward it. Last evaluated 2025-09-27.

Conditions:
CYFIP2-related disorder. Also called: CYFIP2-related condition.

Allele frequency attached by ClinVar (database versions not stated): gnomAD exomes 0.00005 and 0.00006; ExAC 0.00006; gnomAD 0.00006 and 0.00007; ESP Exome Variant Server 0.00008; TOPMed 0.00009.
gnomAD v4.1: 80 of 1,583,510 alleles (0.0051%); highest among the groups gnomAD compares: Middle Eastern, 0.033%; no homozygotes.

Submissions (2):

Labcorp Genetics (formerly Invitae), Labcorp
Classification: Likely benign. Last evaluated: 2025-09-27. Review status: criteria provided, single submitter. Criteria: Invitae Variant Classification Sherloc (09022015). Collection method: clinical testing. Allele origin: germline.

PreventionGenetics, part of Exact Sciences
Classification: Likely benign for CYFIP2-related condition. Last evaluated: 2024-09-01. Review status: no assertion criteria provided. Collection method: clinical testing. Allele origin: germline. Not counted in ClinVar's aggregate classification.
Comment: This variant is classified as likely benign based on ACMG/AMP sequence variant interpretation guidelines (Richards et al. 2015 PMID: 25741868, with internal and published modifications).

NM_001037333.3(CYFIP2):c.3444T>A (p.Ala1148=)

Genes: CYFIP2 (cytoplasmic FMR1 interacting protein 2; plus strand), NIPAL4-DT (NIPAL4 divergent transcript; minus strand). Cytogenetic location: 5q33.3.
Variant type: single nucleotide variant.
Coding change: c.3444T>A on transcript NM_001037333.3 (MANE Select); coding-DNA position 3444, T replaced by A.
Protein change: p.Ala1148=; no amino-acid change (alanine 1148 retained).
Molecular consequence: synonymous variant.
Genome position (GRCh38, 1-based): chr5:157,389,425, T>A. VCF-style: chr5-157389425-T-A. GRCh37 (hg19) VCF-style: chr5-156816433-T-A.
Other names: c.3366T>A, p.Ala1122= (NM_001291721.2); c.3519T>A, p.Ala1173= (NM_001291722.2); c.3444T>A, p.Ala1148= (NM_014376.4); c.3519T>A (NM_001291722.1).
Identifiers: ClinVar variation 1583744 (VCV001583744.10), dbSNP rs377656882, ClinGen allele CA3534362.
Genomic context (GRCh38, chr5:157,389,425, plus strand): 5'-GCTGTGGAGCGCCATGCAGTTCGTGTACTGCATCCCTGTGGGAACCAACGAGTTCACAGC[T>A]GAGTGAGTACCCCCCAGAGAAGGCAGGGTTACCCCCAACCTGCCTGTGCTCCTGCAAGTC-3'
Protein context (NP_001032410.1, residues 1138-1158): CIPVGTNEFT[Ala1148=]EQCFGDGLNW